The following is an entry in ClinVar:

ClinVar aggregate classification (germline): Benign/Likely benign. Review status: criteria provided, multiple submitters, no conflicts (2 of 4 stars). 13 submissions from 9 submitters: Benign (8); Likely benign (5). Last evaluated 2026-05-12.

Conditions:
FGFR2-related craniosynostosis. Identifiers: MedGen CN231480.
Craniosynostosis syndrome. Also called: Craniosynostosis. Identifiers: Orphanet 1531, MedGen C0010278, MeSH D003398, MONDO:0015469, HP:0001363.
Isolated Coronal Synostosis. Identifiers: MedGen CN043619.
Beare-Stevenson cutis gyrata syndrome (BSTVS). Identifiers: Orphanet 1555, MedGen C1852406, MONDO:0007412, OMIM 123790.
Crouzon syndrome. Also called: Craniofacial dysostosis; CRANIOFACIAL DYSOSTOSIS, TYPE I; Craniofacial dysostosis type 1; Crouzon craniofacial dysostosis; Crouzon disease. Identifiers: Orphanet 207, MedGen C0010273, MeSH D003394, MONDO:0007405, OMIM 123500, HP:0004439.
Saethre-Chotzen syndrome (SCS). Also called: ACROCEPHALY, SKULL ASYMMETRY, AND MILD SYNDACTYLY; ACS III; CHOTZEN SYNDROME. Identifiers: Orphanet 794, MedGen C0175699, MONDO:0007042, OMIM 101400.

Allele frequency attached by ClinVar (database versions not stated): gnomAD exomes 0.00028 and 0.00070; ExAC 0.00098; gnomAD 0.00281 and 0.00298; ESP Exome Variant Server 0.00292; 1000 Genomes Project 0.00319; TOPMed 0.00325; 1000 Genomes Project 30x 0.00344.
gnomAD v4.1: 850 of 1,614,040 alleles (0.053%); highest among the groups gnomAD compares: African/African-American, 1%; 2 homozygotes.

Submissions (13):

Women's Health and Genetics/Laboratory Corporation of America, LabCorp
Classification: Likely benign. Last evaluated: 2026-05-12. Review status: criteria provided, single submitter. Criteria: LabCorp Variant Classification Summary - May 2015. Collection method: clinical testing. Allele origin: germline.

Labcorp Genetics (formerly Invitae), Labcorp
Classification: Benign for FGFR2-related craniosynostosis. Last evaluated: 2026-01-28. Review status: criteria provided, single submitter. Criteria: Invitae Variant Classification Sherloc (09022015). Collection method: clinical testing. Allele origin: germline.

ARUP Laboratories, Molecular Genetics and Genomics, ARUP Laboratories
Classification: Benign. Last evaluated: 2025-02-25. Review status: criteria provided, single submitter. Criteria: ARUP Molecular Germline Variant Investigation Process 2024. Collection method: clinical testing. Allele origin: germline.

Blueprint Genetics
Classification: Likely benign. Last evaluated: 2024-11-06. Review status: criteria provided, single submitter. Criteria: ACMG Guidelines, 2015. Collection method: clinical testing. Allele origin: germline.

CeGaT Center for Human Genetics Tuebingen
Classification: Benign. Last evaluated: 2022-03-01. Review status: criteria provided, single submitter. Criteria: CeGaT Center For Human Genetics Tuebingen Variant Classification Criteria Version 2. Collection method: clinical testing. Allele origin: germline. Affected: yes. Observed: 1 variant allele.
Comment: FGFR2: BS1, BS2

GeneDx
Classification: Likely benign. Last evaluated: 2021-02-09. Review status: criteria provided, single submitter. Criteria: GeneDx Variant Classification Process June 2021. Collection method: clinical testing. Allele origin: germline. Affected: yes.

Illumina Laboratory Services, Illumina
Classification: Benign for Craniosynostosis. Last evaluated: 2018-01-13. Review status: criteria provided, single submitter. Criteria: ICSL Variant Classification Criteria 13 December 2019. Collection method: clinical testing. Allele origin: germline.
Comment: This variant was observed in the ICSL laboratory as part of a predisposition screen in an ostensibly healthy population. It had not been previously curated by ICSL or reported in the Human Gene Mutation Database (HGMD: prior to June 1st, 2018), and was therefore a candidate for classification through an automated scoring system. Utilizing variant allele frequency, disease prevalence and penetrance estimates, and inheritance mode, an automated score was calculated to assess if this variant is too frequent to cause the disease. Based on the score and internal cut-off values, a variant classified as benign is not then subjected to further curation. The score for this variant resulted in a classification of benign for this disease.

Illumina Laboratory Services, Illumina
Classification: Benign for Saethre-Chotzen syndrome. Last evaluated: 2018-01-13. Review status: criteria provided, single submitter. Criteria: ICSL Variant Classification Criteria 13 December 2019. Collection method: clinical testing. Allele origin: germline.
Comment: the same text as in the submission from Illumina Laboratory Services, Illumina above.

Illumina Laboratory Services, Illumina
Classification: Benign for Crouzon syndrome. Last evaluated: 2018-01-13. Review status: criteria provided, single submitter. Criteria: ICSL Variant Classification Criteria 13 December 2019. Collection method: clinical testing. Allele origin: germline.
Comment: the same text as in the submission from Illumina Laboratory Services, Illumina above.

Illumina Laboratory Services, Illumina
Classification: Likely benign for Isolated coronal synostosis. Last evaluated: 2018-01-13. Review status: criteria provided, single submitter. Criteria: ICSL Variant Classification Criteria 13 December 2019. Collection method: clinical testing. Allele origin: germline.
Comment: This variant was observed in the ICSL laboratory as part of a predisposition screen in an ostensibly healthy population. It had not been previously curated by ICSL or reported in the Human Gene Mutation Database (HGMD: prior to June 1st, 2018), and was therefore a candidate for classification through an automated scoring system. Utilizing variant allele frequency, disease prevalence and penetrance estimates, and inheritance mode, an automated score was calculated to assess if this variant is too frequent to cause the disease. Based on the score and internal cut-off values, a variant classified as likely benign is not then subjected to further curation. The score for this variant resulted in a classification of likely benign for this disease.

Illumina Laboratory Services, Illumina
Classification: Benign for Beare-Stevenson cutis gyrata syndrome. Last evaluated: 2018-01-13. Review status: criteria provided, single submitter. Criteria: ICSL Variant Classification Criteria 13 December 2019. Collection method: clinical testing. Allele origin: germline.
Comment: the same text as in the submission from Illumina Laboratory Services, Illumina above.

Eurofins Ntd Llc (ga)
Classification: Benign. Last evaluated: 2015-11-06. Review status: criteria provided, single submitter. Criteria: EGL Classification Definitions 2015. Collection method: clinical testing. Allele origin: germline. Observed: 1 variant allele, 1 heterozygote.

Breakthrough Genomics
Classification: Likely benign. Review status: criteria provided, single submitter. Criteria: ACMG Guidelines, 2015. Collection method: not provided. Allele origin: germline. Inheritance: Autosomal dominant inheritance. Affected: yes.

NM_000141.5(FGFR2):c.1572A>G (p.Thr524=)

Gene: FGFR2 (fibroblast growth factor receptor 2; minus strand). Cytogenetic location: 10q26.13.
Variant type: single nucleotide variant.
Coding change: c.1572A>G on transcript NM_000141.5 (MANE Select); coding-DNA position 1572, A replaced by G.
Protein change: p.Thr524=; no amino-acid change (threonine 524 retained).
Molecular consequence: synonymous variant. On other transcripts: non-coding transcript variant (1).
Genome position (GRCh38, 1-based): chr10:121,498,595, T>C on the plus strand (A>G on the coding strand, the complement: FGFR2 is on the minus strand). VCF-style: chr10-121498595-T-C. GRCh37 (hg19) VCF-style: chr10-123258109-T-C.
Other names: c.1575A>G, p.Thr525= (NM_001144913.1, NM_022970.4); c.1236A>G, p.Thr412= (NM_001144914.1); c.1305A>G, p.Thr435= (NM_001144915.2, NM_023029.3); c.1227A>G, p.Thr409= (NM_001144916.2); c.1224A>G, p.Thr408= (NM_001144917.2); c.1221A>G, p.Thr407= (NM_001144918.2); c.1308A>G, p.Thr436= (NM_001144919.2); c.888A>G, p.Thr296= (NM_001320654.2); and 1 more.
Identifiers: ClinVar variation 284342 (VCV000284342.58), dbSNP rs74160613, ClinGen allele CA5720693.